The following is an entry in ClinVar:

NM_003793.4(CTSF):c.1350del (p.Asn451fs)

Gene: CTSF (cathepsin F; minus strand). Cytogenetic location: 11q13.2.
Variant type: Deletion.
Coding change: c.1350del on transcript NM_003793.4 (MANE Select); coding-DNA position 1350, one base deleted (G; older notation c.1350delG).
Protein change: p.Asn451fs; shifts the reading frame from asparagine 451.
Molecular consequence: frameshift variant.
Genome position (GRCh38, 1-based): chr11:66,564,118, C deleted on the plus strand (G on the coding strand, the reverse complement: CTSF is on the minus strand). VCF-style (leftmost placement, unchanged base first): chr11-66564117-TC-T. GRCh37 (hg19) VCF-style: chr11-66331588-TC-T.
Other names: short protein forms N451fs.
Identifiers: ClinVar variation 580946 (VCV000580946.9), dbSNP rs1565311637, ClinGen allele CA891843438.

ClinVar aggregate classification (germline): Uncertain significance (1 of 4 stars; one submission).

Conditions:
Neuronal ceroid lipofuscinosis 13 (CLN13). Also called: CEROID LIPOFUSCINOSIS, NEURONAL, 13 (KUFS TYPE); CLN13 Disease. Identifiers: Orphanet 352709, Orphanet 79262, MedGen C3715049, MONDO:0014147, OMIM 615362.

Submission:

Labcorp Genetics (formerly Invitae), Labcorp
Classification: Uncertain significance for Neuronal ceroid lipofuscinosis 13. Last evaluated: 2018-02-08. Review status: criteria provided, single submitter. Criteria: Invitae Variant Classification Sherloc (09022015). Collection method: clinical testing. Allele origin: germline.
Comment: Experimental studies and prediction algorithms are not available for this variant, and the functional significance of the disrupted amino acids is currently unknown. In summary, the available evidence is currently insufficient to determine the role of this variant in disease. Therefore, it has been classified as a Variant of Uncertain Significance. This variant has not been reported in the literature in individuals with CTSF-related disease. This variant is not present in population databases (ExAC no frequency). This sequence change results in a premature translational stop signal in the CTSF gene (p.Asn451Thrfs*24). While this is not anticipated to result in nonsense mediated decay, it is expected to disrupt the last 34 amino acids of the CTSF protein.